The following is an entry in ClinVar:

ClinVar aggregate classification (germline): Uncertain significance. Review status: criteria provided, multiple submitters, no conflicts (2 of 4 stars). 3 submissions from 3 submitters: Uncertain significance (3). Last evaluated 2025-09-26.

Conditions:
Fanconi anemia (FA). Also called: Fanconi's anemia. Identifiers: Orphanet 84, MedGen C0015625, MeSH D005199, MONDO:0019391.

Allele frequency attached by ClinVar (database versions not stated): gnomAD exomes 0.00004 and 0.00008; ExAC 0.00008; 1000 Genomes Project 0.00020; gnomAD 0.00026 and 0.00029; TOPMed 0.00039; ESP Exome Variant Server 0.00054; 1000 Genomes Project 30x 0.00062.
gnomAD v4.1: 102 of 1,612,400 alleles (0.0063%); highest among the groups gnomAD compares: African/African-American, 0.089%; no homozygotes.

Submissions (3):

GeneDx
Classification: Uncertain significance. Last evaluated: 2025-09-26. Review status: criteria provided, single submitter. Criteria: GeneDx Variant Classification Process June 2021. Collection method: clinical testing. Allele origin: germline. Affected: yes.
Comment: In silico analysis supports that this missense variant has a deleterious effect on protein structure/function; Has not been previously published as pathogenic or benign to our knowledge

Labcorp Genetics (formerly Invitae), Labcorp
Classification: Uncertain significance for Fanconi anemia. Last evaluated: 2022-06-20. Review status: criteria provided, single submitter. Criteria: Invitae Variant Classification Sherloc (09022015). Collection method: clinical testing. Allele origin: germline.
Comment: This sequence change replaces arginine, which is basic and polar, with histidine, which is basic and polar, at codon 737 of the SLX4 protein (p.Arg737His). This variant is present in population databases (rs146901714, gnomAD 0.07%). This variant has not been reported in the literature in individuals affected with SLX4-related conditions. ClinVar contains an entry for this variant (Variation ID: 407912). Algorithms developed to predict the effect of missense changes on protein structure and function are either unavailable or do not agree on the potential impact of this missense change (SIFT: "Deleterious"; PolyPhen-2: "Probably Damaging"; Align-GVGD: "Class C0"). In summary, the available evidence is currently insufficient to determine the role of this variant in disease. Therefore, it has been classified as a Variant of Uncertain Significance.

Genetic Services Laboratory, University of Chicago
Classification: Uncertain significance. Last evaluated: 2019-12-17. Review status: criteria provided, single submitter. Criteria: ACMG Guidelines, 2015. Collection method: clinical testing. Allele origin: germline. Affected: no.
Comment: DNA sequence analysis of the SLX4 gene demonstrated a sequence change, c.2210G>A, in exon 11 that results in an amino acid change, p.Arg737His. This sequence change does not appear to have been previously described in patients with SLX4-related disorders and has been described in the gnomAD database with a frequency of 0.08% in African populations (dbSNP rs146901714). The p.Arg737His change affects a highly conserved amino acid residue located in a domain of the SLX4 protein that is known to be functional. In-silico pathogenicity prediction tools (SIFT, PolyPhen2, Align GVGD, REVEL) provide contradictory results for the p.Arg737His substitution. Due to these contrasting evidences and the lack of functional studies, the clinical significance of the p.Arg737His change remains unknown at this time.

NM_032444.4(SLX4):c.2210G>A (p.Arg737His)

Gene: SLX4 (SLX4 structure-specific endonuclease subunit; minus strand). Cytogenetic location: 16p13.3.
Variant type: single nucleotide variant.
Coding change: c.2210G>A on transcript NM_032444.4 (MANE Select); coding-DNA position 2210, G replaced by A.
Protein change: p.Arg737His; replaces arginine 737 with histidine.
Molecular consequence: missense variant.
Genome position (GRCh38, 1-based): chr16:3,592,816, C>T on the plus strand (G>A on the coding strand, the complement: SLX4 is on the minus strand). VCF-style: chr16-3592816-C-T. GRCh37 (hg19) VCF-style: chr16-3642817-C-T.
Other names: c.2210G>A (LRG_503t1); short protein forms R737H.
Identifiers: ClinVar variation 407912 (VCV000407912.13), dbSNP rs146901714, ClinGen allele CA7866231.